The following is an entry in ClinVar:

ClinVar aggregate classification (germline): Uncertain significance. Review status: criteria provided, multiple submitters, no conflicts (2 of 4 stars). 2 submissions from 2 submitters: Uncertain significance (2). Last evaluated 2024-11-03.

Allele frequency attached by ClinVar (database versions not stated): ExAC 0.00001; gnomAD 0.00001; TOPMed 0.00001; 1000 Genomes Project 30x 0.00016; 1000 Genomes Project 0.00020.
gnomAD v4.1: 4 of 1,614,066 alleles (0.00025%); highest among the groups gnomAD compares: Non-Finnish European, 0.00025%; no homozygotes.

Submissions (2):

GeneDx
Classification: Uncertain significance. Last evaluated: 2024-11-03. Review status: criteria provided, single submitter. Criteria: GeneDx Variant Classification Process June 2021. Collection method: clinical testing. Allele origin: germline. Affected: yes.
Comment: In silico analysis indicates that this missense variant does not alter protein structure/function; Has not been previously published as pathogenic or benign to our knowledge

Labcorp Genetics (formerly Invitae), Labcorp
Classification: Uncertain significance. Last evaluated: 2023-11-27. Review status: criteria provided, single submitter. Criteria: Invitae Variant Classification Sherloc (09022015). Collection method: clinical testing. Allele origin: germline.
Comment: This sequence change replaces isoleucine, which is neutral and non-polar, with valine, which is neutral and non-polar, at codon 215 of the GTPBP2 protein (p.Ile215Val). This variant is present in population databases (rs201114784, gnomAD 0.0009%). This variant has not been reported in the literature in individuals affected with GTPBP2-related conditions. ClinVar contains an entry for this variant (Variation ID: 2113099). An algorithm developed to predict the effect of missense changes on protein structure and function (PolyPhen-2) suggests that this variant is likely to be disruptive. In summary, the available evidence is currently insufficient to determine the role of this variant in disease. Therefore, it has been classified as a Variant of Uncertain Significance.

NM_019096.5(GTPBP2):c.643A>G (p.Ile215Val)

Gene: GTPBP2 (GTP binding protein 2; minus strand). Cytogenetic location: 6p21.1.
Variant type: single nucleotide variant.
Coding change: c.643A>G on transcript NM_019096.5 (MANE Select); coding-DNA position 643, A replaced by G.
Protein change: p.Ile215Val; replaces isoleucine 215 with valine.
Molecular consequence: missense variant.
Genome position (GRCh38, 1-based): chr6:43,625,425, T>C on the plus strand (A>G on the coding strand, the complement: GTPBP2 is on the minus strand). VCF-style: chr6-43625425-T-C. GRCh37 (hg19) VCF-style: chr6-43593162-T-C.
Other names: c.379A>G, p.Ile127Val (NM_001286216.2); c.643A>G (NM_019096.4); short protein forms I127V, I215V.
Identifiers: ClinVar variation 2113099 (VCV002113099.3), dbSNP rs201114784, ClinGen allele CA3827735.